The following is an entry in ClinVar:

NM_001025616.3(ARHGAP24):c.330G>C (p.Gln110His)

Gene: ARHGAP24 (Rho GTPase activating protein 24; plus strand). Cytogenetic location: 4q21.23.
Variant type: single nucleotide variant.
Coding change: c.330G>C on transcript NM_001025616.3 (MANE Select); coding-DNA position 330, G replaced by C.
Protein change: p.Gln110His; replaces glutamine 110 with histidine.
Molecular consequence: missense variant. On other transcripts: 5 prime UTR variant (1).
Genome position (GRCh38, 1-based): chr4:85,923,709, G>C. VCF-style: chr4-85923709-G-C. GRCh37 (hg19) VCF-style: chr4-86844862-G-C.
Other names: c.45G>C, p.Gln15His (NM_001042669.2); c.75G>C, p.Gln25His (NM_001287805.2); c.-42G>C (NM_001346093.2); short protein forms Q110H, Q15H, Q25H.
Identifiers: ClinVar variation 2504806 (VCV002504806.1), dbSNP rs1560720434, ClinGen allele CA357696146.
Genomic context (GRCh38, chr4:85,923,709, plus strand): 5'-AGGCGATCGAGATCGGATGACAGCAAATCATGAAAGCTACCTCCTCATGGCAAGCACCCA[G>C]AATGATATGGAAGACTGGGTGAAGTCAATCCGCCGAGTCATATGGGGACCTTTCGGAGGA-3'
Protein context (NP_001020787.2, residues 100-120): HESYLLMAST[Gln110His]NDMEDWVKSI

ClinVar aggregate classification (germline): Uncertain significance (1 of 4 stars; one submission).

Submission:

GeneDx
Classification: Uncertain significance. Last evaluated: 2022-12-07. Review status: criteria provided, single submitter. Criteria: GeneDx Variant Classification Process June 2021. Collection method: clinical testing. Allele origin: germline. Affected: yes.
Comment: Not observed at significant frequency in large population cohorts (gnomAD); In silico analysis supports that this missense variant has a deleterious effect on protein structure/function; Has not been previously published as pathogenic or benign to our knowledge